The following is an entry in ClinVar:

NM_020988.3(GNAO1):c.138A>T (p.Lys46Asn)

Gene: GNAO1 (G protein subunit alpha o1; plus strand). Cytogenetic location: 16q13.
Variant type: single nucleotide variant.
Coding change: c.138A>T on transcript NM_020988.3 (MANE Select); coding-DNA position 138, A replaced by T.
Protein change: p.Lys46Asn; replaces lysine 46 with asparagine.
Molecular consequence: missense variant.
Genome position (GRCh38, 1-based): chr16:56,192,593, A>T. VCF-style: chr16-56192593-A-T. GRCh37 (hg19) VCF-style: chr16-56226505-A-T.
Other names: c.138A>T, p.Lys46Asn (NM_138736.3); short protein forms K46N.
Identifiers: ClinVar variation 1338804 (VCV001338804.1), dbSNP rs2143272172, ClinGen allele CA396128607.
Genomic context (GRCh38, chr16:56,192,593, plus strand): 5'-TGACACTCACCAGTTTTTCCCCACTGTCTGTGTCCCAACAGGGGCTGGAGAATCAGGAAA[A>T]AGCACCATTGTGAAGCAGATGAAGTAAGTCCCTGTGGCATTGGGATTCGTACTTTTATTA-3'
Protein context (NP_066268.1, residues 36-56): LLLLGAGESG[Lys46Asn]STIVKQMKII

ClinVar aggregate classification (germline): Likely pathogenic (1 of 4 stars; one submission).

Conditions:
Neurodevelopmental disorder with involuntary movements (NEDIM). Identifiers: Orphanet 592564, MedGen C4479569, MONDO:0060491, OMIM 617493.

Submission:

Institute of Human Genetics, University of Leipzig Medical Center
Classification: Likely pathogenic for Neurodevelopmental disorder with involuntary movements. Last evaluated: 2022-01-25. Review status: criteria provided, single submitter. Criteria: ACMG Guidelines, 2015. Collection method: clinical testing. Allele origin: de novo. Affected: yes.
Comment: This variant was identified as de novo (maternity and paternity confirmed)._x000D_ Criteria applied: PS2_MOD, PM1, PM2_SUP, PM5_SUP, PP2, PP3